The following is an entry in ClinVar:

NM_015311.3(OBSL1):c.1230C>G (p.Tyr410Ter)

Gene: OBSL1 (obscurin like cytoskeletal adaptor 1; minus strand). Cytogenetic location: 2q35.
Variant type: single nucleotide variant.
Coding change: c.1230C>G on transcript NM_015311.3 (MANE Select); coding-DNA position 1230, C replaced by G.
Protein change: p.Tyr410Ter; replaces tyrosine 410 with a stop codon.
Molecular consequence: nonsense.
Genome position (GRCh38, 1-based): chr2:219,568,107, G>C on the plus strand (C>G on the coding strand, the complement: OBSL1 is on the minus strand). VCF-style: chr2-219568107-G-C. GRCh37 (hg19) VCF-style: chr2-220432829-G-C.
Other names: c.1230C>G, p.Tyr410Ter (NM_001173431.2, NM_001173408.2); short protein forms Y410*.
Identifiers: ClinVar variation 2966811 (VCV002966811.9), dbSNP rs1423583605, ClinGen allele CA350760331.

ClinVar aggregate classification (germline): Pathogenic. Review status: criteria provided, multiple submitters, no conflicts (2 of 4 stars). 2 submissions from 2 submitters: Pathogenic (2). Last evaluated 2026-01-17.

Allele frequency attached by ClinVar (database versions not stated): TOPMed below 0.00001; gnomAD 0.00001.
gnomAD v4.1: 5 of 1,613,678 alleles (0.00031%); highest among the groups gnomAD compares: Admixed American, 0.0083%; no homozygotes.

Submissions (2):

Labcorp Genetics (formerly Invitae), Labcorp
Classification: Pathogenic. Last evaluated: 2026-01-17. Review status: criteria provided, single submitter. Criteria: Invitae Variant Classification Sherloc (09022015). Collection method: clinical testing. Allele origin: germline.
Comment: This sequence change creates a premature translational stop signal (p.Tyr410*) in the OBSL1 gene. It is expected to result in an absent or disrupted protein product. Loss-of-function variants in OBSL1 are known to be pathogenic (PMID: 19481195, 19877176). This variant is present in population databases (no rsID available, gnomAD 0.009%). This variant has not been reported in the literature in individuals affected with OBSL1-related conditions. ClinVar contains an entry for this variant (Variation ID: 2966811). For these reasons, this variant has been classified as Pathogenic.

CeGaT Center for Human Genetics Tuebingen
Classification: Pathogenic. Last evaluated: 2025-10-01. Review status: criteria provided, single submitter. Criteria: CeGaT Center For Human Genetics Tuebingen Variant Classification Criteria Version 2. Collection method: clinical testing. Allele origin: germline. Affected: yes. Observed: 1 variant allele.
Comment: OBSL1: PVS1, PM2, PM3:Supporting

Literature cited by the submitters: PubMed 19481195 (cited by Labcorp Genetics (formerly Invitae), Labcorp); PubMed 19877176 (cited by Labcorp Genetics (formerly Invitae), Labcorp).